The following is an entry in ClinVar:

ClinVar aggregate classification (germline): Uncertain significance. Review status: criteria provided, single submitter (1 of 4 stars). 2 submissions from 2 submitters: Uncertain significance (1). 1 of the submissions does not count toward it. Last evaluated 2025-11-24.

Conditions:
Hereditary cancer-predisposing syndrome. Also called: Neoplastic Syndromes, Hereditary; Tumor predisposition; Hereditary neoplastic syndrome; Hereditary Cancer Syndrome. Identifiers: Orphanet 140162, MedGen C0027672, MeSH D009386, MONDO:0015356.
Prostate cancer, hereditary, 1 (HPC1). Identifiers: Orphanet 1331, MedGen C4722327, MONDO:0011098, OMIM 601518.

Submissions (2):

Ambry Genetics
Classification: Uncertain significance for Hereditary cancer-predisposing syndrome. Last evaluated: 2025-11-24. Review status: criteria provided, single submitter. Criteria: Ambry Variant Classification Scheme 2023. Collection method: clinical testing. Allele origin: germline.
Comment: The c.236delC variant, located in coding exon 1 of the HOXB13 gene, results from a deletion of one nucleotide at nucleotide position 236, causing a translational frameshift with a predicted alternate stop codon (p.P79Lfs*19). This alteration is expected to result in loss of function by premature protein truncation or nonsense-mediated mRNA decay. However, loss of function has not been established as a mechanism of disease. Based on the available evidence, the clinical significance of this alteration remains unclear.

Laboratory of Virology, Microbiology,  Quality and Medical Biotechnologies, Faculty of Sciences and Techniques - Mohammedia, Hassan II University of Casablanca
Classification: Uncertain significance for Prostate cancer, hereditary, 1. Review status: no assertion criteria provided. Collection method: clinical testing. Allele origin: somatic. Affected: yes. Not counted in ClinVar's aggregate classification.

NM_006361.6(HOXB13):c.236del (p.Pro79fs)

Gene: HOXB13 (homeobox B13; minus strand). Cytogenetic location: 17q21.32.
Variant type: Deletion.
Coding change: c.236del on transcript NM_006361.6 (MANE Select); coding-DNA position 236, one base deleted (C; older notation c.236delC).
Protein change: p.Pro79fs; shifts the reading frame from proline 79.
Molecular consequence: frameshift variant.
Genome position (GRCh38, 1-based): chr17:48,728,358, G deleted on the plus strand (C on the coding strand, the reverse complement: HOXB13 is on the minus strand); the first of 2 consecutive G bases (chr17:48,728,358-48,728,359); deleting either gives the same sequence. VCF-style (leftmost placement, unchanged base first): chr17-48728357-AG-A. GRCh37 (hg19) VCF-style: chr17-46805719-AG-A.
Other names: c.236delC (NM_006361.5); short protein forms P79fs.
Identifiers: ClinVar variation 690658 (VCV000690658.3), dbSNP rs1597934706, ClinGen allele CA915950443.